The following is an entry in ClinVar:

NM_000518.5(HBB):c.11T>A (p.Leu4Gln)

Genes: HBB (hemoglobin subunit beta; minus strand), LOC107133510 (origin of replication at HBB; plus strand), LOC106099062 (HBB recombination region; plus strand). Cytogenetic location: 11p15.4.
Variant type: single nucleotide variant.
Coding change: c.11T>A on transcript NM_000518.5 (MANE Select); coding-DNA position 11, T replaced by A.
Protein change: p.Leu4Gln; replaces leucine 4 with glutamine.
Molecular consequence: missense variant.
Genome position (GRCh38, 1-based): chr11:5,227,011, A>T on the plus strand (T>A on the coding strand, the complement: HBB is on the minus strand). VCF-style: chr11-5227011-A-T. GRCh37 (hg19) VCF-style: chr11-5248241-A-T.
Other names: short protein forms L4Q.
Identifiers: ClinVar variation 439132 (VCV000439132.3), dbSNP rs63750720, ClinGen allele CA217115574.
Genomic context (GRCh38, chr11:5,227,011, plus strand): 5'-ACTTCATCCACGTTCACCTTGCCCCACAGGGCAGTAACGGCAGACTTCTCCTCAGGAGTC[A>T]GATGCACCATGGTGTCTGTTTGAGGTTGCTAGTGAACACAGTTGTGTCAGAAGCAAATGT-3'
Protein context (NP_000509.1, residues 1-14): MVH[Leu4Gln]TPEEKSAVTA

ClinVar aggregate classification (germline): Uncertain significance. Review status: criteria provided, multiple submitters, no conflicts (2 of 4 stars). 2 submissions from 2 submitters: Uncertain significance (2). Last evaluated 2025-12-05.

Submissions (2):

Women's Health and Genetics/Laboratory Corporation of America, LabCorp
Classification: Uncertain significance. Last evaluated: 2025-12-05. Review status: criteria provided, single submitter. Criteria: LabCorp Variant Classification Summary - May 2015. Collection method: clinical testing. Allele origin: germline.
Comment: Variant summary: HBB c.11T>A (p.Leu4Gln) results in a non-conservative amino acid change in the encoded protein sequence. Algorithms developed to predict the effect of missense changes on protein structure and function all suggest that this variant is likely to be disruptive. The variant was absent in 251148 control chromosomes. The available data on variant occurrences in the general population are insufficient to allow any conclusion about variant significance. To our knowledge, no occurrence of c.11T>A in individuals affected with HBB-related conditions and no experimental evidence demonstrating its impact on protein function have been reported. ClinVar contains an entry for this variant (Variation ID: 439132). Based on the evidence outlined above, the variant was classified as uncertain significance.

Quest Diagnostics Nichols Institute San Juan Capistrano
Classification: Uncertain significance. Last evaluated: 2017-03-13. Review status: criteria provided, single submitter. Criteria: Quest Diagnostics criteria. Collection method: clinical testing. Allele origin: germline.

Literature cited by the submitters: PubMed 19429541 (cited by Quest Diagnostics Nichols Institute San Juan Capistrano).